The following is an entry in ClinVar:

NM_005413.4(SIX3):c.917G>C (p.Ser306Thr)

Gene: SIX3 (SIX homeobox 3; plus strand). Cytogenetic location: 2p21.
Variant type: single nucleotide variant.
Coding change: c.917G>C on transcript NM_005413.4 (MANE Select); coding-DNA position 917, G replaced by C.
Protein change: p.Ser306Thr; replaces serine 306 with threonine.
Molecular consequence: missense variant.
Genome position (GRCh38, 1-based): chr2:44,944,678, G>C. VCF-style: chr2-44944678-G-C. GRCh37 (hg19) VCF-style: chr2-45171817-G-C.
Other names: short protein forms S306T.
Identifiers: ClinVar variation 4686119 (VCV004686119.1).

ClinVar aggregate classification (germline): Uncertain significance (1 of 4 stars; one submission).

gnomAD v4.1: 1 of 1,584,114 alleles (0.000063%); no homozygotes.

Submission:

GeneDx
Classification: Uncertain significance. Last evaluated: 2025-07-15. Review status: criteria provided, single submitter. Criteria: GeneDx Variant Classification Process June 2021. Collection method: clinical testing. Allele origin: germline. Affected: yes.
Comment: Not observed at significant frequency in large population cohorts (gnomAD); In silico analysis suggests that this missense variant does not alter protein structure/function; Has not been previously published as pathogenic or benign to our knowledge